The following is an entry in ClinVar:

NM_001365276.2(TNXB):c.10561C>T (p.Leu3521Phe)

Gene: TNXB (tenascin XB; minus strand). Cytogenetic location: 6p21.33.
Variant type: single nucleotide variant.
Coding change: c.10561C>T on transcript NM_001365276.2 (MANE Select); coding-DNA position 10561, C replaced by T.
Protein change: p.Leu3521Phe; replaces leucine 3521 with phenylalanine.
Molecular consequence: missense variant.
Genome position (GRCh38, 1-based): chr6:32,046,220, G>A on the plus strand (C>T on the coding strand, the complement: TNXB is on the minus strand). VCF-style: chr6-32046220-G-A. GRCh37 (hg19) VCF-style: chr6-32013997-G-A.
Other names: c.11302C>T, p.Leu3768Phe (NM_001428335.1); c.10555C>T, p.Leu3519Phe (NM_019105.8); short protein forms L3521F, L3519F, L3768F.
Identifiers: ClinVar variation 5031014 (VCV005031014.1).
Genomic context (GRCh38, chr6:32,046,220, plus strand): 5'-GCACAGCAGCCTCACCTGTCATTCCCAGGGCAGAGACCGGGCCCAGGCGCTTTCCCCCAA[G>A]GAGCCCGTAGAGCAGAAACTTGTATTTCTTGCCAGGCTCCAGGTCCTCTACGGTGACTGT-3'
Protein context (NP_001352205.1, residues 3511-3531): KKYKFLLYGL[Leu3521Phe]GGKRLGPVSA

ClinVar aggregate classification (germline): Uncertain significance (1 of 4 stars; one submission).

Conditions:
Cardiovascular phenotype. Identifiers: MedGen CN230736.

Submission:

Ambry Genetics
Classification: Uncertain significance for Cardiovascular phenotype. Last evaluated: 2026-06-27. Review status: criteria provided, single submitter. Criteria: Ambry Variant Classification Scheme 2023. Collection method: clinical testing. Allele origin: germline.
Comment: The p.L3519F variant (also known as c.10555C>T), located in coding exon 30 of the TNXB gene, results from a C to T substitution at nucleotide position 10555. The leucine at codon 3519 is replaced by phenylalanine, an amino acid with highly similar properties. This amino acid position is conserved. In addition, this alteration is predicted to be tolerated by in silico analysis. Based on the available evidence, the clinical significance of this variant remains unclear.